The following is an entry in ClinVar:

NM_001365999.1(SZT2):c.292A>T (p.Ile98Phe)

Gene: SZT2 (SZT2 subunit of KICSTOR complex; plus strand). Cytogenetic location: 1p34.2.
Variant type: single nucleotide variant.
Coding change: c.292A>T on transcript NM_001365999.1 (MANE Select); coding-DNA position 292, A replaced by T.
Protein change: p.Ile98Phe; replaces isoleucine 98 with phenylalanine.
Molecular consequence: missense variant.
Genome position (GRCh38, 1-based): chr1:43,403,739, A>T. VCF-style: chr1-43403739-A-T. GRCh37 (hg19) VCF-style: chr1-43869410-A-T.
Other names: c.292A>T, p.Ile98Phe (NM_015284.4); short protein forms I98F.
Identifiers: ClinVar variation 1431650 (VCV001431650.8), dbSNP rs1189554367, ClinGen allele CA339996391.

ClinVar aggregate classification (germline): Uncertain significance (1 of 4 stars; one submission).

Submission:

Labcorp Genetics (formerly Invitae), Labcorp
Classification: Uncertain significance. Last evaluated: 2021-06-05. Review status: criteria provided, single submitter. Criteria: Invitae Variant Classification Sherloc (09022015). Collection method: clinical testing. Allele origin: germline.
Comment: In summary, the available evidence is currently insufficient to determine the role of this variant in disease. Therefore, it has been classified as a Variant of Uncertain Significance. Algorithms developed to predict the effect of missense changes on protein structure and function (SIFT, PolyPhen-2, Align-GVGD) all suggest that this variant is likely to be tolerated, but these predictions have not been confirmed by published functional studies and their clinical significance is uncertain. This variant has not been reported in the literature in individuals with SZT2-related conditions. This variant is not present in population databases (ExAC no frequency). This sequence change replaces isoleucine with phenylalanine at codon 98 of the SZT2 protein (p.Ile98Phe). The isoleucine residue is weakly conserved and there is a small physicochemical difference between isoleucine and phenylalanine.